The following is an entry in ClinVar:

ClinVar aggregate classification (germline): Benign (0 of 4 stars; one submission).

Conditions:
NUP188-related disorder. Also called: NUP188-related condition.

Allele frequency attached by ClinVar (database versions not stated): TOPMed 0.00162; gnomAD 0.00253; gnomAD exomes 0.00343; ExAC 0.00603; 1000 Genomes Project 30x 0.01515; 1000 Genomes Project 0.01737.
gnomAD v4.1: 5,391 of 1,612,256 alleles (0.33%); highest among the groups gnomAD compares: East Asian, 5.8%; 159 homozygotes.

Submission:

PreventionGenetics, part of Exact Sciences
Classification: Benign for NUP188-related condition. Last evaluated: 2019-02-26. Review status: no assertion criteria provided. Collection method: clinical testing. Allele origin: germline.
Comment: This variant is classified as benign based on ACMG/AMP sequence variant interpretation guidelines (Richards et al. 2015 PMID: 25741868, with internal and published modifications).

NM_015354.3(NUP188):c.5074-5T>C

Gene: NUP188 (nucleoporin 188; plus strand). Cytogenetic location: 9q34.11.
Variant type: single nucleotide variant.
Coding change: c.5074-5T>C on transcript NM_015354.3 (MANE Select); 5 bases into the intron before coding-DNA position 5074, T replaced by C.
Molecular consequence: intron variant.
Genome position (GRCh38, 1-based): chr9:129,006,497, T>C. VCF-style: chr9-129006497-T-C. GRCh37 (hg19) VCF-style: chr9-131768776-T-C.
Identifiers: ClinVar variation 3040446 (VCV003040446.2), dbSNP rs17452534, ClinGen allele CA5273576.